The following is an entry in ClinVar:

ClinVar aggregate classification (germline): Conflicting classifications of pathogenicity. Review status: criteria provided, conflicting classifications (1 of 4 stars). 11 submissions from 8 submitters: Uncertain significance (10); Benign (1). Last evaluated 2025-08-18.

Conditions:
Inborn genetic diseases. Identifiers: MedGen C0950123, MeSH D030342.
Autosomal recessive myogenic arthrogryposis multiplex congenita. Identifiers: Orphanet 319332, MedGen C4707155, MONDO:0017892.
Autosomal recessive ataxia, Beauce type. Also called: SYNE1 Deficiency; SYNE1-Related Autosomal Recessive Cerebellar Ataxia; Spinocerebellar ataxia, autosomal recessive 8; ATAXIA, RECESSIVE, OF BEAUCE. Identifiers: Orphanet 88644, MedGen C1853116, MONDO:0012549, OMIM 610743.
Emery-Dreifuss muscular dystrophy 4, autosomal dominant (EDMD4). Also called: EMERY-DREIFUSS MUSCULAR DYSTROPHY 4 WITH VARIABLE FEATURES. Identifiers: Orphanet 261, MedGen C2751807, MONDO:0013071, OMIM 612998.

Allele frequency attached by ClinVar (database versions not stated): gnomAD exomes 0.00002 and 0.00005; ExAC 0.00008; ESP Exome Variant Server 0.00015; gnomAD 0.00017; TOPMed 0.00019; 1000 Genomes Project 30x 0.00078; 1000 Genomes Project 0.00080.
gnomAD v4.1: 62 of 1,613,530 alleles (0.0038%); highest among the groups gnomAD compares: African/African-American, 0.045%; no homozygotes.

Submissions (11):

GeneDx
Classification: Uncertain significance. Last evaluated: 2025-08-18. Review status: criteria provided, single submitter. Criteria: GeneDx Variant Classification Process June 2021. Collection method: clinical testing. Allele origin: germline. Affected: yes.
Comment: In silico analysis supports that this missense variant has a deleterious effect on protein structure/function; Has not been previously published as pathogenic or benign to our knowledge

Revvity Omics, Revvity
Classification: Uncertain significance. Last evaluated: 2022-10-19. Review status: criteria provided, single submitter. Criteria: ACMG Guidelines, 2015. Collection method: clinical testing. Allele origin: germline.

Athena Diagnostics
Classification: Uncertain significance. Last evaluated: 2022-09-20. Review status: criteria provided, single submitter. Criteria: Athena Diagnostics Criteria. Collection method: clinical testing. Allele origin: unknown.
Comment: Available data are insufficient to determine the clinical significance of the variant at this time. The frequency of this variant in the general population is uninformative in assessment of its pathogenicity. Computational tools disagree on the variant's effect on normal protein function.

Labcorp Genetics (formerly Invitae), Labcorp
Classification: Uncertain significance for Emery-Dreifuss muscular dystrophy 4, autosomal dominant; Autosomal recessive ataxia, Beauce type. Last evaluated: 2022-07-18. Review status: criteria provided, single submitter. Criteria: Invitae Variant Classification Sherloc (09022015). Collection method: clinical testing. Allele origin: germline.
Comment: This sequence change replaces arginine, which is basic and polar, with tryptophan, which is neutral and slightly polar, at codon 5540 of the SYNE1 protein (p.Arg5540Trp). This variant is present in population databases (rs369292604, gnomAD 0.04%). This variant has not been reported in the literature in individuals affected with SYNE1-related conditions. ClinVar contains an entry for this variant (Variation ID: 355857). Algorithms developed to predict the effect of missense changes on protein structure and function (SIFT, PolyPhen-2, Align-GVGD) all suggest that this variant is likely to be disruptive. In summary, the available evidence is currently insufficient to determine the role of this variant in disease. Therefore, it has been classified as a Variant of Uncertain Significance.

Ambry Genetics
Classification: Uncertain significance for Inborn genetic diseases. Last evaluated: 2021-08-10. Review status: criteria provided, single submitter. Criteria: Ambry Variant Classification Scheme 2023. Collection method: clinical testing. Allele origin: germline.

Genomic Research Center, Shahid Beheshti University of Medical Sciences
Classification: Uncertain significance for Spinocerebellar ataxia, autosomal recessive 8. Last evaluated: 2019-01-01. Review status: criteria provided, single submitter. Criteria: ACMG Guidelines, 2015. Collection method: clinical testing. Allele origin: unknown. Affected: yes. Observed: 1 variant allele.

Genomic Research Center, Shahid Beheshti University of Medical Sciences
Classification: Uncertain significance for Emery-Dreifuss muscular dystrophy 4, autosomal dominant. Last evaluated: 2019-01-01. Review status: criteria provided, single submitter. Criteria: ACMG Guidelines, 2015. Collection method: clinical testing. Allele origin: unknown. Affected: yes. Observed: 1 variant allele.

Genomic Research Center, Shahid Beheshti University of Medical Sciences
Classification: Uncertain significance for Autosomal recessive myogenic arthrogryposis multiplex congenita. Last evaluated: 2019-01-01. Review status: criteria provided, single submitter. Criteria: ACMG Guidelines, 2015. Collection method: clinical testing. Allele origin: unknown. Affected: yes. Observed: 1 variant allele.

Illumina Laboratory Services, Illumina
Classification: Benign for Emery-Dreifuss muscular dystrophy 4, autosomal dominant. Last evaluated: 2018-01-12. Review status: criteria provided, single submitter. Criteria: ICSL Variant Classification Criteria 13 December 2019. Collection method: clinical testing. Allele origin: germline.
Comment: This variant was observed in the ICSL laboratory as part of a predisposition screen in an ostensibly healthy population. It had not been previously curated by ICSL or reported in the Human Gene Mutation Database (HGMD: prior to June 1st, 2018), and was therefore a candidate for classification through an automated scoring system. Utilizing variant allele frequency, disease prevalence and penetrance estimates, and inheritance mode, an automated score was calculated to assess if this variant is too frequent to cause the disease. Based on the score and internal cut-off values, a variant classified as benign is not then subjected to further curation. The score for this variant resulted in a classification of benign for this disease.

Illumina Laboratory Services, Illumina
Classification: Uncertain significance for Autosomal recessive ataxia, Beauce type. Last evaluated: 2018-01-12. Review status: criteria provided, single submitter. Criteria: ICSL Variant Classification Criteria 13 December 2019. Collection method: clinical testing. Allele origin: germline.

Eurofins Ntd Llc (ga)
Classification: Uncertain significance. Last evaluated: 2017-04-20. Review status: criteria provided, single submitter. Criteria: EGL Classification Definitions 2015. Collection method: clinical testing. Allele origin: germline. Observed: 1 variant allele, 1 heterozygote.

NM_182961.4(SYNE1):c.16831C>T (p.Arg5611Trp)

Genes: SYNE1 (spectrin repeat containing nuclear envelope protein 1; minus strand), LOC126859837 (BRD4-independent group 4 enhancer GRCh37_chr6:152630775-152631974; plus strand). Cytogenetic location: 6q25.2.
Variant type: single nucleotide variant.
Coding change: c.16831C>T on transcript NM_182961.4 (MANE Select); coding-DNA position 16831, C replaced by T.
Protein change: p.Arg5611Trp; replaces arginine 5611 with tryptophan.
Molecular consequence: missense variant.
Genome position (GRCh38, 1-based): chr6:152,310,753, G>A on the plus strand (C>T on the coding strand, the complement: SYNE1 is on the minus strand). VCF-style: chr6-152310753-G-A. GRCh37 (hg19) VCF-style: chr6-152631888-G-A.
Other names: c.16618C>T, p.Arg5540Trp (NM_033071.5); short protein forms R5540W, R5611W.
Identifiers: ClinVar variation 355857 (VCV000355857.22), dbSNP rs369292604, ClinGen allele CA4055423.